The following is an entry in ClinVar:

ClinVar aggregate classification (germline): Conflicting classifications of pathogenicity. Review status: criteria provided, conflicting classifications (1 of 4 stars). 5 submissions from 5 submitters: Uncertain significance (2); Likely benign (2). 1 of the submissions does not count toward it. Last evaluated 2025-10-02.

Conditions:
Hereditary spastic paraplegia 31. Also called: SPASTIC PARAPLEGIA 31, AUTOSOMAL DOMINANT. Identifiers: Orphanet 101011, MedGen C1853247, MONDO:0012453, OMIM 610250.
REEP1-related disorder. Also called: REEP1-related condition.
Inborn genetic diseases. Identifiers: MedGen C0950123, MeSH D030342.

Allele frequency attached by ClinVar (database versions not stated): TOPMed 0.00011; ExAC 0.00012; gnomAD 0.00013 and 0.00014.
gnomAD v4.1: 135 of 1,611,318 alleles (0.0084%); highest among the groups gnomAD compares: African/African-American, 0.011%; no homozygotes.

Submissions (5):

Labcorp Genetics (formerly Invitae), Labcorp
Classification: Uncertain significance for Hereditary spastic paraplegia 31. Last evaluated: 2025-10-02. Review status: criteria provided, single submitter. Criteria: Invitae Variant Classification Sherloc (09022015). Collection method: clinical testing. Allele origin: germline.
Comment: This sequence change replaces proline, which is neutral and non-polar, with leucine, which is neutral and non-polar, at codon 173 of the REEP1 protein (p.Pro173Leu). This variant is present in population databases (rs777245164, gnomAD 0.02%). This variant has not been reported in the literature in individuals affected with REEP1-related conditions. ClinVar contains an entry for this variant (Variation ID: 465821). An algorithm developed to predict the effect of missense changes on protein structure and function (PolyPhen-2) suggests that this variant is likely to be disruptive. In summary, the available evidence is currently insufficient to determine the role of this variant in disease. Therefore, it has been classified as a Variant of Uncertain Significance.

Mayo Clinic Laboratories, Mayo Clinic
Classification: Uncertain significance. Last evaluated: 2025-08-07. Review status: criteria provided, single submitter. Criteria: ACMG Guidelines, 2015. Collection method: clinical testing. Allele origin: germline. Observed: 1 variant allele.
Comment: BP4_moderate

Ambry Genetics
Classification: Likely benign for Inborn genetic diseases. Last evaluated: 2021-06-09. Review status: criteria provided, single submitter. Criteria: Ambry Variant Classification Scheme 2023. Collection method: clinical testing. Allele origin: germline.

GeneDx
Classification: Likely benign. Last evaluated: 2017-11-20. Review status: criteria provided, single submitter. Criteria: GeneDx Variant Classification (06012015). Collection method: clinical testing. Allele origin: germline. Affected: yes.
Comment: This variant is considered likely benign or benign based on one or more of the following criteria: it is a conservative change, it occurs at a poorly conserved position in the protein, it is predicted to be benign by multiple in silico algorithms, and/or has population frequency not consistent with disease.

PreventionGenetics, part of Exact Sciences
Classification: Uncertain significance for REEP1-related condition. Last evaluated: 2024-02-01. Review status: no assertion criteria provided. Collection method: clinical testing. Allele origin: germline. Not counted in ClinVar's aggregate classification.
Comment: The REEP1 c.518C>T variant is predicted to result in the amino acid substitution p.Pro173Leu. To our knowledge, this variant has not been reported in the literature. This variant is reported in 0.018% of alleles in individuals of European (Non-Finnish) descent in gnomAD. Although we suspect this variant could be benign, at this time, the clinical significance of this variant is uncertain due to the absence of conclusive functional and genetic evidence.

Literature cited by the submitters: PubMed 39368994 (cited by Mayo Clinic Laboratories, Mayo Clinic).

NM_001371279.1(REEP1):c.518C>T (p.Pro173Leu)

Gene: REEP1 (receptor accessory protein 1; minus strand). Cytogenetic location: 2p11.2.
Variant type: single nucleotide variant.
Coding change: c.518C>T on transcript NM_001371279.1 (MANE Select); coding-DNA position 518, C replaced by T.
Protein change: p.Pro173Leu; replaces proline 173 with leucine.
Molecular consequence: missense variant. On other transcripts: intron variant (1).
Genome position (GRCh38, 1-based): chr2:86,232,702, G>A on the plus strand (C>T on the coding strand, the complement: REEP1 is on the minus strand). VCF-style: chr2-86232702-G-A. GRCh37 (hg19) VCF-style: chr2-86459825-G-A.
Other names: p.Pro173Leu; c.539C>T, p.Pro180Leu (NM_001164730.2); c.437C>T, p.Pro146Leu (NM_001164731.2); c.283C>T, p.Arg95Trp (NM_001164732.2); c.518C>T, p.Pro173Leu (NM_022912.3); c.418-15592C>T (NM_001371280.1); short protein forms P173L, P180L, P146L, R95W.
Identifiers: ClinVar variation 465821 (VCV000465821.16), dbSNP rs777245164, ClinGen allele CA1748695.